The following is an entry in ClinVar:

ClinVar aggregate classification (germline): Likely benign (1 of 4 stars; one submission).

Submission:

CeGaT Center for Human Genetics Tuebingen
Classification: Likely benign. Last evaluated: 2026-08-01. Review status: criteria provided, single submitter. Criteria: CeGaT Center For Human Genetics Tuebingen Variant Classification Criteria Version 2. Collection method: clinical testing. Allele origin: germline. Affected: yes. Observed: 10 variant alleles.
Comment: RERE: BS1

NM_001042681.2(RERE):c.1203+16672AACA[2]

Gene: RERE (arginine-glutamic acid dipeptide repeats; minus strand). Cytogenetic location: 1p36.23.
Variant type: Microsatellite.
Coding change: c.1203+16672AACA[2] on transcript NM_001042681.2 (MANE Select); two copies in a row of the 4-base unit AACA starting at c.1203+16672; the reference has three copies in a row; one copy, 4 bases deleted.
Molecular consequence: intron variant.
Genome position (GRCh38, 1-based): chr1:8,449,242-8,449,245, TGTT deleted on the plus strand (AACA on the coding strand, the reverse complement: RERE is on the minus strand); deleting any 4 consecutive bases within chr1:8,449,242-8,449,254 gives the same sequence; the position shown is the placement nearest the transcript's 3' end. VCF-style (leftmost placement, unchanged base first): chr1-8449241-CTGTT-C. GRCh37 (hg19) VCF-style: chr1-8509301-CTGTT-C.
Other names: c.1203+16672AACA[2] (NM_012102.4).
Identifiers: ClinVar variation 3905697 (VCV003905697.10).